The following is an entry in ClinVar:

NM_001134407.3(GRIN2A):c.1574C>T (p.Ser525Phe)

Gene: GRIN2A (glutamate ionotropic receptor NMDA type subunit 2A; minus strand). Cytogenetic location: 16p13.2.
Variant type: single nucleotide variant.
Coding change: c.1574C>T on transcript NM_001134407.3 (MANE Select); coding-DNA position 1574, C replaced by T.
Protein change: p.Ser525Phe; replaces serine 525 with phenylalanine.
Molecular consequence: missense variant.
Genome position (GRCh38, 1-based): chr16:9,840,724, G>A on the plus strand (C>T on the coding strand, the complement: GRIN2A is on the minus strand). VCF-style: chr16-9840724-G-A. GRCh37 (hg19) VCF-style: chr16-9934581-G-A.
Other names: c.1574C>T, p.Ser525Phe (NM_000833.5, NM_001134408.2); short protein forms S525F.
Identifiers: ClinVar variation 3361176 (VCV003361176.2).

ClinVar aggregate classification (germline): Likely pathogenic (1 of 4 stars; one submission).

Submission:

GeneDx
Classification: Likely pathogenic. Last evaluated: 2025-02-13. Review status: criteria provided, single submitter. Criteria: GeneDx Variant Classification Process June 2021. Collection method: clinical testing. Allele origin: germline.
Comment: Not observed at significant frequency in large population cohorts (gnomAD); In silico analysis supports that this missense variant has a deleterious effect on protein structure/function; Has not been previously published as pathogenic or benign to our knowledge; This variant is associated with the following publications: (PMID: 27839871)